The following is an entry in ClinVar:

NM_001106.4(ACVR2B):c.406C>T (p.Leu136Phe)

Gene: ACVR2B (activin A receptor type 2B; plus strand). Cytogenetic location: 3p22.2.
Variant type: single nucleotide variant.
Coding change: c.406C>T on transcript NM_001106.4 (MANE Select); coding-DNA position 406, C replaced by T.
Protein change: p.Leu136Phe; replaces leucine 136 with phenylalanine.
Molecular consequence: missense variant.
Genome position (GRCh38, 1-based): chr3:38,478,176, C>T. VCF-style: chr3-38478176-C-T. GRCh37 (hg19) VCF-style: chr3-38519667-C-T.
Other names: short protein forms L136F.
Identifiers: ClinVar variation 1438787 (VCV001438787.8), dbSNP rs2125722964, ClinGen allele CA352128430.

ClinVar aggregate classification (germline): Uncertain significance (1 of 4 stars; one submission).

Conditions:
Heterotaxy, visceral, 4, autosomal (HTX4). Identifiers: Orphanet 450, MedGen C3151057, MONDO:0013403, OMIM 613751.

Submission:

Labcorp Genetics (formerly Invitae), Labcorp
Classification: Uncertain significance for Heterotaxy, visceral, 4, autosomal. Last evaluated: 2021-08-06. Review status: criteria provided, single submitter. Criteria: Invitae Variant Classification Sherloc (09022015). Collection method: clinical testing. Allele origin: germline.
Comment: This sequence change replaces leucine with phenylalanine at codon 136 of the ACVR2B protein (p.Leu136Phe). The leucine residue is highly conserved and there is a small physicochemical difference between leucine and phenylalanine. This variant is not present in population databases (ExAC no frequency). This variant has not been reported in the literature in individuals with ACVR2B-related conditions. Advanced modeling of protein sequence and biophysical properties (such as structural, functional, and spatial information, amino acid conservation, physicochemical variation, residue mobility, and thermodynamic stability) performed at Invitae indicates that this missense variant is not expected to disrupt ACVR2B protein function. In summary, the available evidence is currently insufficient to determine the role of this variant in disease. Therefore, it has been classified as a Variant of Uncertain Significance.